The following is an entry in ClinVar:

NM_014236.4(GNPAT):c.1544G>A (p.Arg515His)

Gene: GNPAT (glyceronephosphate O-acyltransferase; plus strand). Cytogenetic location: 1q42.2.
Variant type: single nucleotide variant.
Coding change: c.1544G>A on transcript NM_014236.4 (MANE Select); coding-DNA position 1544, G replaced by A.
Protein change: p.Arg515His; replaces arginine 515 with histidine.
Molecular consequence: missense variant.
Genome position (GRCh38, 1-based): chr1:231,272,333, G>A. VCF-style: chr1-231272333-G-A. GRCh37 (hg19) VCF-style: chr1-231408079-G-A.
Other names: c.1361G>A, p.Arg454His (NM_001316350.2); c.1544G>A (NM_014236.3); short protein forms R454H, R515H.
Identifiers: ClinVar variation 1424252 (VCV001424252.4), dbSNP rs373702989, ClinGen allele CA1452057.
Genomic context (GRCh38, chr1:231,272,333, plus strand): 5'-GGGCAATGTTGTAATTTTACATGATGCATTTATTTCCAGAGGATGTCTACAGTTGCTTTC[G>A]CTTCCTACGTGATGTTTTTGCAGATGAGTTCATCTTCCTTCCAGGAAACACACTAAAGGT-3'
Protein context (NP_055051.1, residues 505-525): FRKEDVYSCF[Arg515His]FLRDVFADEF

ClinVar aggregate classification (germline): Uncertain significance. Review status: criteria provided, multiple submitters, no conflicts (2 of 4 stars). 2 submissions from 2 submitters: Uncertain significance (2). Last evaluated 2024-04-23.

Conditions:
Inborn genetic diseases. Identifiers: MedGen C0950123, MeSH D030342.

Allele frequency attached by ClinVar (database versions not stated): ExAC 0.00002; gnomAD 0.00008; gnomAD exomes 0.00002; ESP Exome Variant Server 0.00008; 1000 Genomes Project 30x 0.00016; 1000 Genomes Project 0.00020; TOPMed 0.00015.
gnomAD v4.1: 35 of 1,588,682 alleles (0.0022%); highest among the groups gnomAD compares: Middle Eastern, 0.017%; no homozygotes.

Submissions (2):

Ambry Genetics
Classification: Uncertain significance for Inborn genetic diseases. Last evaluated: 2024-04-23. Review status: criteria provided, single submitter. Criteria: Ambry Variant Classification Scheme 2023. Collection method: clinical testing. Allele origin: germline.

Labcorp Genetics (formerly Invitae), Labcorp
Classification: Uncertain significance. Last evaluated: 2022-05-30. Review status: criteria provided, single submitter. Criteria: Invitae Variant Classification Sherloc (09022015). Collection method: clinical testing. Allele origin: germline.
Comment: This sequence change replaces arginine, which is basic and polar, with histidine, which is basic and polar, at codon 515 of the GNPAT protein (p.Arg515His). This variant is present in population databases (rs373702989, gnomAD 0.03%). This variant has not been reported in the literature in individuals affected with GNPAT-related conditions. ClinVar contains an entry for this variant (Variation ID: 1424252). Algorithms developed to predict the effect of missense changes on protein structure and function output the following: SIFT: "Deleterious"; PolyPhen-2: "Benign"; Align-GVGD: "Class C0". The histidine amino acid residue is found in multiple mammalian species, which suggests that this missense change does not adversely affect protein function. Algorithms developed to predict the effect of sequence changes on RNA splicing suggest that this variant may create or strengthen a splice site. In summary, the available evidence is currently insufficient to determine the role of this variant in disease. Therefore, it has been classified as a Variant of Uncertain Significance.